The following is an entry in ClinVar:

NM_001375524.1(TRRAP):c.5454T>C (p.Phe1818=)

Gene: TRRAP (transformation/transcription domain associated protein; plus strand). Cytogenetic location: 7q22.1.
Variant type: single nucleotide variant.
Coding change: c.5454T>C on transcript NM_001375524.1 (MANE Select); coding-DNA position 5454, T replaced by C.
Protein change: p.Phe1818=; no amino-acid change (phenylalanine 1818 retained).
Molecular consequence: synonymous variant.
Genome position (GRCh38, 1-based): chr7:98,950,995, T>C. VCF-style: chr7-98950995-T-C. GRCh37 (hg19) VCF-style: chr7-98548618-T-C.
Other names: c.5379T>C (NM_003496.3); c.5433T>C, p.Phe1811= (NM_001244580.2); c.5379T>C, p.Phe1793= (NM_003496.4).
Identifiers: ClinVar variation 1897706 (VCV001897706.15), dbSNP rs782151233, ClinGen allele CA4360560.

ClinVar aggregate classification (germline): Likely benign. Review status: criteria provided, multiple submitters, no conflicts (2 of 4 stars). 3 submissions from 3 submitters: Likely benign (2). 1 of the submissions does not count toward it. Last evaluated 2025-07-01.

Conditions:
TRRAP-related disorder. Also called: TRRAP-related condition.

Allele frequency attached by ClinVar (database versions not stated): ExAC 0.00002; gnomAD 0.00002; gnomAD exomes 0.00002; TOPMed 0.00002.
gnomAD v4.1: 25 of 1,600,684 alleles (0.0016%); highest among the groups gnomAD compares: African/African-American, 0.0027%; 1 homozygote.

Submissions (3):

CeGaT Center for Human Genetics Tuebingen
Classification: Likely benign. Last evaluated: 2025-07-01. Review status: criteria provided, single submitter. Criteria: CeGaT Center For Human Genetics Tuebingen Variant Classification Criteria Version 2. Collection method: clinical testing. Allele origin: germline. Affected: yes. Observed: 1 variant allele.
Comment: TRRAP: BP4, BP7

Labcorp Genetics (formerly Invitae), Labcorp
Classification: Likely benign. Last evaluated: 2022-03-15. Review status: criteria provided, single submitter. Criteria: Invitae Variant Classification Sherloc (09022015). Collection method: clinical testing. Allele origin: germline.

PreventionGenetics, part of Exact Sciences
Classification: Likely benign for TRRAP-related condition. Last evaluated: 2019-06-13. Review status: no assertion criteria provided. Collection method: clinical testing. Allele origin: germline. Not counted in ClinVar's aggregate classification.
Comment: This variant is classified as likely benign based on ACMG/AMP sequence variant interpretation guidelines (Richards et al. 2015 PMID: 25741868, with internal and published modifications).